The following is an entry in ClinVar:

NM_006346.4(PIBF1):c.1008T>C (p.His336=)

Gene: PIBF1 (progesterone immunomodulatory binding factor 1; plus strand). Cytogenetic location: 13q22.1.
Variant type: single nucleotide variant.
Coding change: c.1008T>C on transcript NM_006346.4 (MANE Select); coding-DNA position 1008, T replaced by C.
Protein change: p.His336=; no amino-acid change (histidine 336 retained).
Molecular consequence: synonymous variant. On other transcripts: non-coding transcript variant (2).
Genome position (GRCh38, 1-based): chr13:72,827,825, T>C. VCF-style: chr13-72827825-T-C. GRCh37 (hg19) VCF-style: chr13-73401963-T-C.
Other names: c.1008T>C, p.His336= (NM_001349655.2).
Identifiers: ClinVar variation 3905601 (VCV003905601.10).

ClinVar aggregate classification (germline): Likely benign (1 of 4 stars; one submission).

gnomAD v4.1: 50 of 1,603,700 alleles (0.0031%); highest among the groups gnomAD compares: East Asian, 0.061%; 1 homozygote.

Submission:

CeGaT Center for Human Genetics Tuebingen
Classification: Likely benign. Last evaluated: 2025-05-01. Review status: criteria provided, single submitter. Criteria: CeGaT Center For Human Genetics Tuebingen Variant Classification Criteria Version 2. Collection method: clinical testing. Allele origin: germline. Affected: yes. Observed: 1 variant allele.
Comment: PIBF1: BP4, BP7